The following is an entry in ClinVar:

NM_014314.4(RIGI):c.913C>T (p.Gln305Ter)

Gene: RIGI (RNA sensor RIG-I; minus strand). Cytogenetic location: 9p21.1.
Variant type: single nucleotide variant.
Coding change: c.913C>T on transcript NM_014314.4 (MANE Select); coding-DNA position 913, C replaced by T.
Protein change: p.Gln305Ter; replaces glutamine 305 with a stop codon.
Molecular consequence: nonsense.
Genome position (GRCh38, 1-based): chr9:32,488,774, G>A on the plus strand (C>T on the coding strand, the complement: RIGI is on the minus strand). VCF-style: chr9-32488774-G-A. GRCh37 (hg19) VCF-style: chr9-32488772-G-A.
Other names: c.913C>T, p.Gln305Ter (NM_001385907.1, NM_001385909.1); c.472C>T, p.Gln158Ter (NM_001385910.1); c.304C>T, p.Gln102Ter (NM_001385912.1); c.898C>T, p.Gln300Ter (NM_001385913.1); c.469C>T, p.Gln157Ter (NM_001385914.1); short protein forms Q102*, Q158*, Q157*, Q300*, Q305*.
Identifiers: ClinVar variation 1490160 (VCV001490160.6), dbSNP rs2118806058, ClinGen allele CA373158312.

ClinVar aggregate classification (germline): Uncertain significance (1 of 4 stars; one submission).

Submission:

Labcorp Genetics (formerly Invitae), Labcorp
Classification: Uncertain significance. Last evaluated: 2024-02-24. Review status: criteria provided, single submitter. Criteria: Invitae Variant Classification Sherloc (09022015). Collection method: clinical testing. Allele origin: germline.
Comment: This sequence change creates a premature translational stop signal (p.Gln305*) in the DDX58 gene. It is expected to result in an absent or disrupted protein product. However, the current clinical and genetic evidence is not sufficient to establish whether loss-of-function variants in DDX58 cause disease. This variant is not present in population databases (gnomAD no frequency). This variant has not been reported in the literature in individuals affected with DDX58-related conditions. ClinVar contains an entry for this variant (Variation ID: 1490160). Algorithms developed to predict the effect of sequence changes on RNA splicing suggest that this variant may disrupt the consensus splice site. In summary, the available evidence is currently insufficient to determine the role of this variant in disease. Therefore, it has been classified as a Variant of Uncertain Significance.